The following is an entry in ClinVar:

ClinVar aggregate classification (germline): Pathogenic (1 of 4 stars; one submission).

Conditions:
Spermatogenic failure 18. Identifiers: MedGen C4539783, MONDO:0054615, OMIM 617576.
Ciliary dyskinesia, primary, 37 (CILD37). Also called: CILIARY DYSKINESIA, PRIMARY, 37, WITH OR WITHOUT SITUS INVERSUS. Identifiers: MedGen C4539798, MONDO:0033204, OMIM 617577.

gnomAD v4.1: 1 of 1,613,668 alleles (0.000062%); highest among the groups gnomAD compares: Non-Finnish European, 0.000085%; no homozygotes.

Submission:

Labcorp Genetics (formerly Invitae), Labcorp
Classification: Pathogenic for Ciliary dyskinesia, primary, 37; Spermatogenic failure 18. Last evaluated: 2023-12-12. Review status: criteria provided, single submitter. Criteria: Invitae Variant Classification Sherloc (09022015). Collection method: clinical testing. Allele origin: germline.
Comment: This sequence change creates a premature translational stop signal (p.Tyr1912*) in the DNAH1 gene. It is expected to result in an absent or disrupted protein product. Loss-of-function variants in DNAH1 are known to be pathogenic (PMID: 27573432, 27798045). This variant is not present in population databases (gnomAD no frequency). This variant has not been reported in the literature in individuals affected with DNAH1-related conditions. For these reasons, this variant has been classified as Pathogenic.

Literature cited by the submitters: PubMed 27573432; PubMed 27798045.

NM_015512.5(DNAH1):c.5736C>G (p.Tyr1912Ter)

Gene: DNAH1 (dynein axonemal heavy chain 1; plus strand). Cytogenetic location: 3p21.1.
Variant type: single nucleotide variant.
Coding change: c.5736C>G on transcript NM_015512.5 (MANE Select); coding-DNA position 5736, C replaced by G.
Protein change: p.Tyr1912Ter; replaces tyrosine 1912 with a stop codon.
Molecular consequence: nonsense.
Genome position (GRCh38, 1-based): chr3:52,366,858, C>G. VCF-style: chr3-52366858-C-G. GRCh37 (hg19) VCF-style: chr3-52400874-C-G.
Other names: short protein forms Y1912*.
Identifiers: ClinVar variation 2926627 (VCV002926627.3), dbSNP rs753771532, ClinGen allele CA353149791.